The following is an entry in ClinVar:

ClinVar aggregate classification (germline): Conflicting classifications of pathogenicity. Review status: criteria provided, conflicting classifications (1 of 4 stars). 14 submissions from 10 submitters: Uncertain significance (3); Benign (2); Likely benign (7). 2 of the submissions do not count toward it. Last evaluated 2026-07-01.

Conditions:
Retinal dystrophy. Also called: Inherited retinal dystrophy. Identifiers: Orphanet 71862, MedGen C0854723, MeSH D058499, MONDO:0019118, HP:0000556.
Usher syndrome type 1 (USH1). Also called: RETINITIS PIGMENTOSA AND CONGENITAL DEAFNESS. Identifiers: Orphanet 231169, Orphanet 886, MedGen C1568247, MONDO:0010168, OMIM 276900.
Autosomal recessive nonsyndromic hearing loss 2. Also called: NEUROSENSORY NONSYNDROMIC RECESSIVE DEAFNESS 2; DEAFNESS, AUTOSOMAL RECESSIVE 2. Identifiers: Orphanet 90636, MedGen C1838701, MONDO:0010807, OMIM 600060.
Autosomal dominant nonsyndromic hearing loss 11. Identifiers: Orphanet 90635, MedGen C1832475, MONDO:0011032, OMIM 601317.
Usher syndrome type 1B (USH1B). Also called: Usher syndrome type IB. Identifiers: MedGen C1848638, MONDO:0700087.

Allele frequency attached by ClinVar (database versions not stated): 1000 Genomes Project 30x 0.00016; 1000 Genomes Project 0.00020; gnomAD 0.00031 and 0.00036; TOPMed 0.00033; gnomAD exomes 0.00045; ExAC 0.00046.
gnomAD v4.1: 778 of 1,613,852 alleles (0.048%); highest among the groups gnomAD compares: South Asian, 0.18%; 2 homozygotes.

Submissions (14):

CeGaT Center for Human Genetics Tuebingen
Classification: Likely benign. Last evaluated: 2026-07-01. Review status: criteria provided, single submitter. Criteria: CeGaT Center For Human Genetics Tuebingen Variant Classification Criteria Version 2. Collection method: clinical testing. Allele origin: germline. Affected: yes. Observed: 3 variant alleles.
Comment: MYO7A: BP4, BS2

Labcorp Genetics (formerly Invitae), Labcorp
Classification: Benign. Last evaluated: 2026-01-24. Review status: criteria provided, single submitter. Criteria: Invitae Variant Classification Sherloc (09022015). Collection method: clinical testing. Allele origin: germline.

Blueprint Genetics
Classification: Likely benign. Last evaluated: 2024-09-05. Review status: criteria provided, single submitter. Criteria: ACMG Guidelines, 2015. Collection method: clinical testing. Allele origin: germline.

Genome-Nilou Lab
Classification: Benign for Autosomal dominant nonsyndromic hearing loss 11. Last evaluated: 2021-09-05. Review status: criteria provided, single submitter. Criteria: ACMG Guidelines, 2015. Collection method: clinical testing. Allele origin: germline. Affected: no.

Genome-Nilou Lab
Classification: Likely benign for Autosomal recessive nonsyndromic hearing loss 2. Last evaluated: 2021-09-05. Review status: criteria provided, single submitter. Criteria: ACMG Guidelines, 2015. Collection method: clinical testing. Allele origin: germline. Affected: no.

Genome-Nilou Lab
Classification: Likely benign for Usher syndrome type 1. Last evaluated: 2021-09-05. Review status: criteria provided, single submitter. Criteria: ACMG Guidelines, 2015. Collection method: clinical testing. Allele origin: germline. Affected: no.

GeneDx
Classification: Likely benign. Last evaluated: 2018-04-26. Review status: criteria provided, single submitter. Criteria: GeneDx Variant Classification (06012015). Collection method: clinical testing. Allele origin: germline. Affected: yes.
Comment: This variant is considered likely benign or benign based on one or more of the following criteria: it is a conservative change, it occurs at a poorly conserved position in the protein, it is predicted to be benign by multiple in silico algorithms, and/or has population frequency not consistent with disease.

Illumina Laboratory Services, Illumina
Classification: Uncertain significance for Autosomal recessive nonsyndromic hearing loss 2. Last evaluated: 2017-04-27. Review status: criteria provided, single submitter. Criteria: ICSL Variant Classification Criteria 13 December 2019. Collection method: clinical testing. Allele origin: germline.

Illumina Laboratory Services, Illumina
Classification: Uncertain significance for Usher syndrome type 1. Last evaluated: 2017-04-27. Review status: criteria provided, single submitter. Criteria: ICSL Variant Classification Criteria 13 December 2019. Collection method: clinical testing. Allele origin: germline.

Illumina Laboratory Services, Illumina
Classification: Uncertain significance for Autosomal dominant nonsyndromic hearing loss 11. Last evaluated: 2017-04-27. Review status: criteria provided, single submitter. Criteria: ICSL Variant Classification Criteria 13 December 2019. Collection method: clinical testing. Allele origin: germline.

Laboratory for Molecular Medicine, Mass General Brigham Personalized Medicine
Classification: Likely benign. Last evaluated: 2014-08-07. Review status: criteria provided, single submitter. Criteria: LMM Criteria. Collection method: clinical testing. Allele origin: germline. Observed: 1 variant allele.
Comment: Arg150Arg in exon 5 of MYO7A: This variant is not expected to have clinical sign ificance because it does not alter an amino acid residue and is not located with in the splice consensus sequence. It has been identified in 7/8372 of European A merican chromosomes and 1/4076 of African American chromosomes by the NHLBI Exom e Sequencing Project (dbSNP rs121965079).

PreventionGenetics, part of Exact Sciences
Classification: Likely benign. Review status: criteria provided, single submitter. Criteria: ACMG Guidelines, 2015. Collection method: clinical testing. Allele origin: germline.

Natera, Inc.
Classification: Uncertain significance for Usher syndrome type 1B. Last evaluated: 2020-04-16. Review status: no assertion criteria provided. Collection method: clinical testing. Allele origin: germline. Not counted in ClinVar's aggregate classification.

Institute of Human Genetics, Univ. Regensburg, Univ. Regensburg
Classification: Uncertain significance for Retinal dystrophy. Last evaluated: 2008-01-01. Review status: no assertion criteria provided. Criteria: ACMG Guidelines, 2015. Collection method: clinical testing. Allele origin: germline. Affected: yes. Not counted in ClinVar's aggregate classification.

NM_000260.4(MYO7A):c.448C>A (p.Arg150=)

Gene: MYO7A (myosin VIIA; plus strand). Cytogenetic location: 11q13.5.
Variant type: single nucleotide variant.
Coding change: c.448C>A on transcript NM_000260.4 (MANE Select); coding-DNA position 448, C replaced by A.
Protein change: p.Arg150=; no amino-acid change (arginine 150 retained).
Molecular consequence: synonymous variant.
Genome position (GRCh38, 1-based): chr11:77,156,069, C>A. VCF-style: chr11-77156069-C-A. GRCh37 (hg19) VCF-style: chr11-76867115-C-A.
Other names: c.448C>A, p.Arg150= (NM_001127180.2); c.415C>A, p.Arg139= (NM_001369365.1).
Identifiers: ClinVar variation 178475 (VCV000178475.66), dbSNP rs121965079, ClinGen allele CA182403.